The following is an entry in ClinVar:

NM_144670.6(A2ML1):c.3439G>A (p.Ala1147Thr)

Gene: A2ML1 (alpha-2-macroglobulin like 1; plus strand). Cytogenetic location: 12p13.31.
Variant type: single nucleotide variant.
Coding change: c.3439G>A on transcript NM_144670.6 (MANE Select); coding-DNA position 3439, G replaced by A.
Protein change: p.Ala1147Thr; replaces alanine 1147 with threonine.
Molecular consequence: missense variant.
Genome position (GRCh38, 1-based): chr12:8,861,234, G>A. VCF-style: chr12-8861234-G-A. GRCh37 (hg19) VCF-style: chr12-9013830-G-A.
Other names: c.1966G>A, p.Ala656Thr (NM_001282424.3); short protein forms A1147T, A656T.
Identifiers: ClinVar variation 2171947 (VCV002171947.4), dbSNP rs2136931655, ClinGen allele CA383840798.
Genomic context (GRCh38, chr12:8,861,234, plus strand): 5'-TCGGCCACCTCCACGACCAACCTCTACACACAGGCCCTGTTGGCTTACATTTTCTCCCTG[G>A]CTGGGGAAATGGACATCAGAAACATTCTCCTTAAACAGTTAGATCAACAGGCTATCATCT-3'
Protein context (NP_653271.3, residues 1137-1157): QALLAYIFSL[Ala1147Thr]GEMDIRNILL

ClinVar aggregate classification (germline): Uncertain significance (1 of 4 stars; one submission).

Submission:

Labcorp Genetics (formerly Invitae), Labcorp
Classification: Uncertain significance. Last evaluated: 2022-11-08. Review status: criteria provided, single submitter. Criteria: Invitae Variant Classification Sherloc (09022015). Collection method: clinical testing. Allele origin: germline.
Comment: Algorithms developed to predict the effect of missense changes on protein structure and function output the following: SIFT: "Tolerated"; PolyPhen-2: "Possibly Damaging"; Align-GVGD: "Class C0". The threonine amino acid residue is found in multiple mammalian species, which suggests that this missense change does not adversely affect protein function. This variant has not been reported in the literature in individuals affected with A2ML1-related conditions. This sequence change replaces alanine, which is neutral and non-polar, with threonine, which is neutral and polar, at codon 1147 of the A2ML1 protein (p.Ala1147Thr). This variant is not present in population databases (gnomAD no frequency). In summary, the available evidence is currently insufficient to determine the role of this variant in disease. Therefore, it has been classified as a Variant of Uncertain Significance.